The following is an entry in ClinVar:

ClinVar aggregate classification (germline): Likely benign. Review status: criteria provided, multiple submitters, no conflicts (2 of 4 stars). 4 submissions from 4 submitters: Likely benign (4). Last evaluated 2025-03-30.

Conditions:
Cardiovascular phenotype. Identifiers: MedGen CN230736.
Loeys-Dietz syndrome 2 (LDS2). Also called: TGFBR2-Related Loeys-Dietz Syndrome; Marfan syndrome, type 2 (formerly); AORTIC ANEURYSM, FAMILIAL THORACIC 3; MARFAN SYNDROME, TYPE II; Marfan Syndrome type 2; Marfan like connective tissue disorder. Identifiers: Orphanet 284973, Orphanet 558, MedGen C2674574, MONDO:0012427, OMIM 610168.
Familial thoracic aortic aneurysm and aortic dissection (TAAD). Also called: Thoracic aortic aneurysms and dissections. Identifiers: Orphanet 91387, MedGen C4707243, MONDO:0019625.

Allele frequency attached by ClinVar (database versions not stated): gnomAD exomes below 0.00001 and 0.00001; gnomAD 0.00001; TOPMed 0.00001.
gnomAD v4.1: 10 of 1,613,882 alleles (0.00062%); highest among the groups gnomAD compares: Non-Finnish European, 0.00085%; no homozygotes.

Submissions (4):

Labcorp Genetics (formerly Invitae), Labcorp
Classification: Likely benign for Familial thoracic aortic aneurysm and aortic dissection. Last evaluated: 2025-03-30. Review status: criteria provided, single submitter. Criteria: Invitae Variant Classification Sherloc (09022015). Collection method: clinical testing. Allele origin: germline.

All of Us Research Program, National Institutes of Health
Classification: Likely benign for Loeys-Dietz syndrome 2. Last evaluated: 2023-10-30. Review status: criteria provided, single submitter. Criteria: ACMG Guidelines, 2015. Collection method: clinical testing. Allele origin: germline. Inheritance: Autosomal dominant inheritance. Observed: 2 variant alleles, 2 heterozygotes.
Comment: This study involves interpretation of variants in research participants for the purpose of population health screening. Participant phenotype was not available at the time of variant classification. Additional details can be found in publication PMID: 35346344, PMCID: PMC8962531

Color Diagnostics, LLC DBA Color Health
Classification: Likely benign for Familial thoracic aortic aneurysm and aortic dissection. Last evaluated: 2019-11-20. Review status: criteria provided, single submitter. Criteria: ACMG Guidelines, 2015. Collection method: clinical testing. Allele origin: germline.

Ambry Genetics
Classification: Likely benign for Cardiovascular phenotype. Last evaluated: 2014-05-13. Review status: criteria provided, single submitter. Criteria: Ambry Autosomal Dominant and X-Linked criteria (10/2015). Collection method: clinical testing. Allele origin: germline. Observed: 1 variant allele.

NM_003242.6(TGFBR2):c.594T>C (p.Ser198=)

Gene: TGFBR2 (transforming growth factor beta receptor 2; plus strand). Cytogenetic location: 3p24.1.
Variant type: single nucleotide variant.
Coding change: c.594T>C on transcript NM_003242.6 (MANE Select); coding-DNA position 594, T replaced by C.
Protein change: p.Ser198=; no amino-acid change (serine 198 retained).
Molecular consequence: synonymous variant. On other transcripts: intron variant (1).
Genome position (GRCh38, 1-based): chr3:30,671,777, T>C. VCF-style: chr3-30671777-T-C. GRCh37 (hg19) VCF-style: chr3-30713269-T-C.
Other names: c.669T>C, p.Ser223= (NM_001024847.3); c.777T>C, p.Ser259= (NM_001407126.1); c.702T>C, p.Ser234= (NM_001407127.1); c.621T>C, p.Ser207= (NM_001407128.1); c.597T>C, p.Ser199= (NM_001407129.1); c.594T>C, p.Ser198= (NM_001407130.1); c.489T>C, p.Ser163= (NM_001407132.1, NM_001407133.1, NM_001407134.1 and 2 more transcripts); c.309T>C, p.Ser103= (NM_001407137.1); and 2 more.
Identifiers: ClinVar variation 263842 (VCV000263842.15), dbSNP rs886038945, ClinGen allele CA10587564.